The following is an entry in ClinVar:

NM_001376.5(DYNC1H1):c.12941A>G (p.Asp4314Gly)

Gene: DYNC1H1 (dynein cytoplasmic 1 heavy chain 1; plus strand). Cytogenetic location: 14q32.31.
Variant type: single nucleotide variant.
Coding change: c.12941A>G on transcript NM_001376.5 (MANE Select); coding-DNA position 12941, A replaced by G.
Protein change: p.Asp4314Gly; replaces aspartic acid 4314 with glycine.
Molecular consequence: missense variant.
Genome position (GRCh38, 1-based): chr14:102,044,633, A>G. VCF-style: chr14-102044633-A-G. GRCh37 (hg19) VCF-style: chr14-102510970-A-G.
Other names: short protein forms D4314G.
Identifiers: ClinVar variation 1214176 (VCV001214176.4), dbSNP rs2152597958, ClinGen allele CA391044536.

ClinVar aggregate classification (germline): Likely pathogenic (1 of 4 stars; one submission).

Submission:

GeneDx
Classification: Likely pathogenic. Last evaluated: 2026-08-19. Review status: criteria provided, single submitter. Criteria: GeneDx Variant Classification Process June 2021. Collection method: clinical testing. Allele origin: germline.
Comment: Not observed at significant frequency in large population cohorts (gnomAD); In silico analysis supports that this missense variant has a deleterious effect on protein structure/function; Has not been previously published as pathogenic or benign to our knowledge; This variant is associated with the following publications: (PMID: 25512093, 25609763, 26100331)